The following is an entry in ClinVar:

NM_020821.3(VPS13C):c.6995T>A (p.Ile2332Asn)

Gene: VPS13C (vacuolar protein sorting 13 homolog C; minus strand). Cytogenetic location: 15q22.2.
Variant type: single nucleotide variant.
Coding change: c.6995T>A on transcript NM_020821.3 (MANE Select); coding-DNA position 6995, T replaced by A.
Protein change: p.Ile2332Asn; replaces isoleucine 2332 with asparagine.
Molecular consequence: missense variant.
Genome position (GRCh38, 1-based): chr15:61,922,014, A>T on the plus strand (T>A on the coding strand, the complement: VPS13C is on the minus strand). VCF-style: chr15-61922014-A-T. GRCh37 (hg19) VCF-style: chr15-62214213-A-T.
Other names: c.6995T>A, p.Ile2332Asn (NM_001018088.3); c.6866T>A, p.Ile2289Asn (NM_017684.5, NM_018080.4); short protein forms I2289N, I2332N.
Identifiers: ClinVar variation 1449371 (VCV001449371.6), dbSNP rs201593514, ClinGen allele CA7595382.

ClinVar aggregate classification (germline): Uncertain significance (1 of 4 stars; one submission).

Allele frequency attached by ClinVar (database versions not stated): gnomAD exomes 0.00003 and 0.00004; gnomAD 0.00004 and 0.00005; ExAC 0.00005; TOPMed 0.00005; 1000 Genomes Project 0.00020; 1000 Genomes Project 30x 0.00031.
gnomAD v4.1: 69 of 1,613,606 alleles (0.0043%); highest among the groups gnomAD compares: Admixed American, 0.017%; no homozygotes.

Submission:

Labcorp Genetics (formerly Invitae), Labcorp
Classification: Uncertain significance. Last evaluated: 2021-09-29. Review status: criteria provided, single submitter. Criteria: Invitae Variant Classification Sherloc (09022015). Collection method: clinical testing. Allele origin: germline.
Comment: In summary, the available evidence is currently insufficient to determine the role of this variant in disease. Therefore, it has been classified as a Variant of Uncertain Significance. Algorithms developed to predict the effect of missense changes on protein structure and function (SIFT, PolyPhen-2, Align-GVGD) all suggest that this variant is likely to be tolerated. This variant has not been reported in the literature in individuals affected with VPS13C-related conditions. This variant is present in population databases (rs201593514, ExAC 0.03%). This sequence change replaces isoleucine with asparagine at codon 2332 of the VPS13C protein (p.Ile2332Asn). The isoleucine residue is weakly conserved and there is a large physicochemical difference between isoleucine and asparagine.